The following is an entry in ClinVar:

ClinVar aggregate classification (germline): Likely pathogenic. Review status: criteria provided, multiple submitters, no conflicts (2 of 4 stars). 2 submissions from 2 submitters: Likely pathogenic (2). Last evaluated 2025-10-24.

Conditions:
Fatal mitochondrial disease due to combined oxidative phosphorylation defect type 3. Also called: Combined oxidative phosphorylation deficiency 3; ENCEPHALOMYOPATHY, RESPIRATORY FAILURE, AND LACTIC ACIDOSIS. Identifiers: Orphanet 168566, MedGen C1864840, MONDO:0012512, OMIM 610505.

Submissions (2):

Natera, Inc.
Classification: Likely pathogenic for Combined oxidative phosphorylation deficiency 3. Last evaluated: 2025-10-24. Review status: criteria provided, single submitter. Criteria: Natera Variant Classification Schema (03/2026). Collection method: clinical testing. Allele origin: germline.
Comment: The c.547-1G>A variant in TSFM is a canonical splice acceptor site variant predicted to affect pre-mRNA splicing, which may result in an abnormal transcript and altered protein product. This variant is expected to result in nonsense mediated decay, truncation, or a dysfunctional protein product. This variant is rare in the general population with a frequency below the threshold expected for the associated phenotype(s). Given the available evidence, this variant is classified as Likely Pathogenic.

Baylor Genetics
Classification: Likely pathogenic for Fatal mitochondrial disease due to combined oxidative phosphorylation defect type 3. Last evaluated: 2023-10-14. Review status: criteria provided, single submitter. Criteria: ACMG Guidelines, 2015. Collection method: clinical testing. Allele origin: unknown.

NM_005726.6(TSFM):c.484-1G>A

Gene: TSFM (Ts translation elongation factor, mitochondrial; plus strand). Cytogenetic location: 12q14.1.
Variant type: single nucleotide variant.
Coding change: c.484-1G>A on transcript NM_005726.6 (MANE Select); the canonical splice acceptor site of the intron before coding-DNA position 484, G replaced by A.
Molecular consequence: splice acceptor variant. On other transcripts: intron variant (1).
Genome position (GRCh38, 1-based): chr12:57,792,985, G>A. VCF-style: chr12-57792985-G-A. GRCh37 (hg19) VCF-style: chr12-58186768-G-A.
Other names: c.484-1G>A (NM_001172697.2); c.547-1G>A (NM_001172696.2, NM_001172696.1); c.484-3192G>A (NM_001172695.2).
Identifiers: ClinVar variation 2679352 (VCV002679352.2), dbSNP rs753609161, ClinGen allele CA385528874.
Genomic context (GRCh38, chr12:57,792,985, plus strand): 5'-ATTCTTTTGATAATTTGAATAGTACAGAATCAGTTCATGTTTGTTTTCTTCGTGCACTTA[G>A]GGTTTCTTGAATTCCTCTGAGCTTTCTGGACTTCCAGCTGGGCCTGACAGAGAAGGCTCA-3'